The following is an entry in ClinVar:

ClinVar aggregate classification (germline): Uncertain significance (1 of 4 stars; one submission).

Conditions:
Baraitser-Winter syndrome 1 (BRWS1). Also called: PACHYGYRIA, MENTAL RETARDATION, EPILEPSY, AND CHARACTERISTIC FACIES; MENTAL RETARDATION WITH EPILEPSY AND CHARACTERISTIC FACIES; Cerebrofrontofacial syndrome; BARAITSER-WINTER SYNDROME 1, ATYPICAL. Identifiers: Orphanet 2649, Orphanet 2995, MedGen C1855722, MONDO:0009470, OMIM 243310.

Submission:

Labcorp Genetics (formerly Invitae), Labcorp
Classification: Uncertain significance for Baraitser-Winter syndrome 1. Last evaluated: 2022-06-15. Review status: criteria provided, single submitter. Criteria: Invitae Variant Classification Sherloc (09022015). Collection method: clinical testing. Allele origin: germline.
Comment: In summary, the available evidence is currently insufficient to determine the role of this variant in disease. Therefore, it has been classified as a Variant of Uncertain Significance. Algorithms developed to predict the effect of missense changes on protein structure and function are either unavailable or do not agree on the potential impact of this missense change (SIFT: "Deleterious"; PolyPhen-2: "Benign"; Align-GVGD: "Class C55"). This variant has not been reported in the literature in individuals affected with ACTB-related conditions. This variant is not present in population databases (gnomAD no frequency). This sequence change replaces glycine, which is neutral and non-polar, with alanine, which is neutral and non-polar, at codon 42 of the ACTB protein (p.Gly42Ala).

NM_001101.5(ACTB):c.125G>C (p.Gly42Ala)

Gene: ACTB (actin beta; minus strand). Cytogenetic location: 7p22.1.
Variant type: single nucleotide variant.
Coding change: c.125G>C on transcript NM_001101.5 (MANE Select); coding-DNA position 125, G replaced by C.
Protein change: p.Gly42Ala; replaces glycine 42 with alanine.
Molecular consequence: missense variant.
Genome position (GRCh38, 1-based): chr7:5,529,399, C>G on the plus strand (G>C on the coding strand, the complement: ACTB is on the minus strand). VCF-style: chr7-5529399-C-G. GRCh37 (hg19) VCF-style: chr7-5569030-C-G.
Other names: short protein forms G42A.
Identifiers: ClinVar variation 2005422 (VCV002005422.4), dbSNP rs2533850560, ClinGen allele CA366706418.
Genomic context (GRCh38, chr7:5,529,399, plus strand): 5'-CTCTTGCTCTGGGCCTCGTCGCCCACATAGGAATCCTTCTGACCCATGCCCACCATCACG[C>G]CCTGGGAAGGAAAGGACAAGAAGCCCTGAGCACGGGCGCAGCCCCCACCCCGGAAACCGG-3'
Protein context (NP_001092.1, residues 32-52): PSIVGRPRHQ[Gly42Ala]VMVGMGQKDS